The following is an entry in ClinVar:

NM_025179.4(PLXNA2):c.2864C>T (p.Ser955Phe)

Gene: PLXNA2 (plexin A2; minus strand). Cytogenetic location: 1q32.2.
Variant type: single nucleotide variant.
Coding change: c.2864C>T on transcript NM_025179.4 (MANE Select); coding-DNA position 2864, C replaced by T.
Protein change: p.Ser955Phe; replaces serine 955 with phenylalanine.
Molecular consequence: missense variant.
Genome position (GRCh38, 1-based): chr1:208,052,456, G>A on the plus strand (C>T on the coding strand, the complement: PLXNA2 is on the minus strand). VCF-style: chr1-208052456-G-A. GRCh37 (hg19) VCF-style: chr1-208225801-G-A.
Other names: short protein forms S955F.
Identifiers: ClinVar variation 2846636 (VCV002846636.3), dbSNP rs1335934649, ClinGen allele CA344565483.

ClinVar aggregate classification (germline): Uncertain significance (1 of 4 stars; one submission).

gnomAD v4.1: 1 of 1,614,132 alleles (0.000062%); highest among the groups gnomAD compares: Non-Finnish European, 0.000085%; no homozygotes.

Submission:

Labcorp Genetics (formerly Invitae), Labcorp
Classification: Uncertain significance. Last evaluated: 2023-08-17. Review status: criteria provided, single submitter. Criteria: Invitae Variant Classification Sherloc (09022015). Collection method: clinical testing. Allele origin: germline.
Comment: This variant is not present in population databases (gnomAD no frequency). In summary, the available evidence is currently insufficient to determine the role of this variant in disease. Therefore, it has been classified as a Variant of Uncertain Significance. Advanced modeling of protein sequence and biophysical properties (such as structural, functional, and spatial information, amino acid conservation, physicochemical variation, residue mobility, and thermodynamic stability) performed at Invitae indicates that this missense variant is not expected to disrupt PLXNA2 protein function. This variant has not been reported in the literature in individuals affected with PLXNA2-related conditions. This sequence change replaces serine, which is neutral and polar, with phenylalanine, which is neutral and non-polar, at codon 955 of the PLXNA2 protein (p.Ser955Phe).